The following is an entry in ClinVar:

ClinVar aggregate classification (germline): Conflicting classifications of pathogenicity. Review status: criteria provided, conflicting classifications (1 of 4 stars). 2 submissions from 2 submitters: Pathogenic (1); Uncertain significance (1). Last evaluated 2025-09-24.

Conditions:
Mitochondrial complex II deficiency, nuclear type 1. Also called: SUCCINATE CoQ REDUCTASE DEFICIENCY. Identifiers: Orphanet 3208, MedGen C5700310, MONDO:0100294, OMIM 252011.
Pheochromocytoma/paraganglioma syndrome 5. Also called: Paragangliomas 5; SDHA-Related Hereditary Paraganglioma-Pheochromocytoma Syndrome. Identifiers: Orphanet 29072, MedGen C3279992, MONDO:0013602, OMIM 614165.
Hereditary cancer-predisposing syndrome. Also called: Neoplastic Syndromes, Hereditary; Tumor predisposition; Hereditary Cancer Syndrome; Hereditary neoplastic syndrome. Identifiers: Orphanet 140162, MedGen C0027672, MeSH D009386, MONDO:0015356.

Submissions (2):

Ambry Genetics
Classification: Pathogenic for Hereditary cancer-predisposing syndrome. Last evaluated: 2025-09-24. Review status: criteria provided, single submitter. Criteria: Ambry Variant Classification Scheme 2023. Collection method: clinical testing. Allele origin: germline.
Comment: The p.A103V pathogenic mutation (also known as c.308C>T), located in coding exon 3 of the SDHA gene, results from a C to T substitution at nucleotide position 308. The alanine at codon 103 is replaced by valine, an amino acid with similar properties. This variant was reported in individual(s) with features consistent with SDHA-related hereditary pheochromocytoma-paraganglioma (Ben Aim L et al. J Med Genet, 2019 Aug;56:513-520). In an assay testing SDHA function, this variant showed a functionally abnormal result (Kent JD et al. Clin Cancer Res, 2024 Dec;30:5399-5412). Based on internal structural analysis, this variant replaces a small side chain with a bulkier one into the FAD-binding pocket of SDHA, possibly disrupting the orientation of the functionally critical flavin group (Takeo S et al. Mol. Biochem. Parasitol., 2000 Apr;107:191-205; Sun F et al. Cell, 2005 Jul;121:1043-57; Inaoka DK et al. Int J Mol Sci, 2015 Jul;16:15287-308). This variant is considered to be rare based on population cohorts in the Genome Aggregation Database (gnomAD). This amino acid position is highly conserved in available vertebrate species. In addition, this alteration is predicted to be deleterious by in silico analysis. Based on the supporting evidence, this variant is interpreted as a disease-causing mutation.

Labcorp Genetics (formerly Invitae), Labcorp
Classification: Uncertain significance for Pheochromocytoma/paraganglioma syndrome 5; Mitochondrial complex II deficiency, nuclear type 1. Last evaluated: 2023-02-01. Review status: criteria provided, single submitter. Criteria: Invitae Variant Classification Sherloc (09022015). Collection method: clinical testing. Allele origin: germline.
Comment: This sequence change replaces alanine, which is neutral and non-polar, with valine, which is neutral and non-polar, at codon 103 of the SDHA protein (p.Ala103Val). This variant is not present in population databases (gnomAD no frequency). This missense change has been observed in individual(s) with clinical features of SDHA-related conditions (PMID: 30877234). Algorithms developed to predict the effect of missense changes on protein structure and function (SIFT, PolyPhen-2, Align-GVGD) all suggest that this variant is likely to be disruptive. In summary, the available evidence is currently insufficient to determine the role of this variant in disease. Therefore, it has been classified as a Variant of Uncertain Significance.

Literature cited by the submitters: PubMed 30877234 (cited by Ambry Genetics and Labcorp Genetics (formerly Invitae), Labcorp); PubMed 39321216 (cited by Ambry Genetics).

NM_004168.4(SDHA):c.308C>T (p.Ala103Val)

Gene: SDHA (succinate dehydrogenase complex flavoprotein subunit A; plus strand). Cytogenetic location: 5p15.33.
Variant type: single nucleotide variant.
Coding change: c.308C>T on transcript NM_004168.4 (MANE Select); coding-DNA position 308, C replaced by T.
Protein change: p.Ala103Val; replaces alanine 103 with valine.
Molecular consequence: missense variant.
Genome position (GRCh38, 1-based): chr5:224,517, C>T. VCF-style: chr5-224517-C-T. GRCh37 (hg19) VCF-style: chr5-224632-C-T.
Other names: c.308C>T (NM_004168.2); c.308C>T, p.Ala103Val (NM_001294332.2, NM_001330758.2); short protein forms A103V.
Identifiers: ClinVar variation 2931841 (VCV002931841.4), dbSNP rs2477287398, ClinGen allele CA359008691.
Genomic context (GRCh38, chr5:224,517, plus strand): 5'-CAGGGTTTAATACAGCATGTGTTACCAAGCTGTTTCCTACCAGGTCACACACTGTTGCAG[C>T]ACAGGTAAGAGAAAGGTGCCCCACTGTGCTCCCACTCCGTGCAGGTCCCGCGCAGCCTCG-3'
Protein context (NP_004159.2, residues 93-113): LFPTRSHTVA[Ala103Val]QGGINAALGN